The following is an entry in ClinVar:

NM_000719.7(CACNA1C):c.864G>A (p.Glu288=)

Gene: CACNA1C (calcium voltage-gated channel subunit alpha1 C; plus strand). Cytogenetic location: 12p13.33.
Variant type: single nucleotide variant.
Coding change: c.864G>A on transcript NM_000719.7 (MANE Select); coding-DNA position 864, G replaced by A.
Protein change: p.Glu288=; no amino-acid change (glutamic acid 288 retained).
Molecular consequence: synonymous variant.
Genome position (GRCh38, 1-based): chr12:2,486,210, G>A. VCF-style: chr12-2486210-G-A. GRCh37 (hg19) VCF-style: chr12-2595376-G-A.
Other names: c.864G>A (NM_000719.6); c.864G>A, p.Glu288= (NM_199460.4, NM_001129827.2, NM_001129829.2 and 19 more transcripts).
Identifiers: ClinVar variation 1101652 (VCV001101652.34), dbSNP rs749309131, ClinGen allele CA6388547.

ClinVar aggregate classification (germline): Likely benign. Review status: criteria provided, multiple submitters, no conflicts (2 of 4 stars). 3 submissions from 3 submitters: Likely benign (3). Last evaluated 2025-06-02.

Conditions:
Cardiovascular phenotype. Identifiers: MedGen CN230736.
Long QT syndrome (LQTS). Identifiers: MedGen C0023976, MeSH D008133, MONDO:0002442. Disease mechanism: loss of function. Inheritance: Various modes of inheritance.

Allele frequency attached by ClinVar (database versions not stated): gnomAD exomes 0.00001 and 0.00002; ExAC 0.00002.
gnomAD v4.1: 4 of 1,613,754 alleles (0.00025%); highest among the groups gnomAD compares: South Asian, 0.0044%; no homozygotes.

Submissions (3):

Labcorp Genetics (formerly Invitae), Labcorp
Classification: Likely benign for Long QT syndrome. Last evaluated: 2025-06-02. Review status: criteria provided, single submitter. Criteria: Invitae Variant Classification Sherloc (09022015). Collection method: clinical testing. Allele origin: germline.

CeGaT Center for Human Genetics Tuebingen
Classification: Likely benign. Last evaluated: 2024-11-01. Review status: criteria provided, single submitter. Criteria: CeGaT Center For Human Genetics Tuebingen Variant Classification Criteria Version 2. Collection method: clinical testing. Allele origin: germline. Affected: yes. Observed: 2 variant alleles.
Comment: CACNA1C: BP4, BP7

Ambry Genetics
Classification: Likely benign for Cardiovascular phenotype. Last evaluated: 2024-01-16. Review status: criteria provided, single submitter. Criteria: Ambry Variant Classification Scheme 2023. Collection method: clinical testing. Allele origin: germline.